The following is an entry in ClinVar:

ClinVar aggregate classification (germline): Likely pathogenic (1 of 4 stars; one submission).

Conditions:
Glycogen storage disease type III (GSD3). Also called: Cori disease; FORBES DISEASE. Identifiers: Orphanet 366, MedGen C0017922, MONDO:0009291, OMIM 232400.

Submission:

Natera, Inc.
Classification: Likely pathogenic for Glycogen storage disease type III. Last evaluated: 2025-05-29. Review status: criteria provided, single submitter. Criteria: Natera Variant Classification Schema (03/2026). Collection method: clinical testing. Allele origin: germline.
Comment: The c.3710dup variant in AGL is a frameshift variant predicted to shift the reading frame beginning at codon 1238 and leads to a stop codon 5 codons downstream. This variant is expected to result in nonsense mediated decay, truncation, or a dysfunctional protein product. This variant is rare in the general population with a frequency below the threshold expected for the associated phenotype(s). Given the available evidence, this variant is classified as Likely Pathogenic.

NM_000642.3(AGL):c.3710dup (p.Thr1238fs)

Gene: AGL (amylo-alpha-1,6-glucosidase and 4-alpha-glucanotransferase; plus strand). Cytogenetic location: 1p21.2.
Variant type: Duplication.
Coding change: c.3710dup on transcript NM_000642.3 (MANE Select); coding-DNA position 3710, one base duplicated (T; older notation c.3710dupT).
Protein change: p.Thr1238fs; shifts the reading frame from threonine 1238.
Molecular consequence: frameshift variant.
Genome position (GRCh38, 1-based): chr1:99,910,721, T duplicated. VCF-style (leftmost placement, unchanged base first): chr1-99910720-A-AT. GRCh37 (hg19) VCF-style: chr1-100376276-A-AT.
Other names: c.3662dup, p.Thr1222fs (NM_000646.3); c.3710dup, p.Thr1238fs (NM_001425325.1, NM_000028.3, NM_000643.3 and 1 more transcripts); c.3689dup, p.Thr1231fs (NM_001425326.1); c.3509dup, p.Thr1171fs (NM_001425327.1); c.3506dup, p.Thr1170fs (NM_001425328.1); c.3371dup, p.Thr1125fs (NM_001425329.1); c.3332dup, p.Thr1112fs (NM_001425332.1); short protein forms T1112fs, T1125fs, T1170fs, T1171fs, T1222fs, T1231fs, T1238fs.
Identifiers: ClinVar variation 4067644 (VCV004067644.2).
Genomic context (GRCh38, chr1:99,910,720, plus strand): 5'-TACTATATATAATACTTATAAAATTTTATTTTATACACATTTTGTTTTTTAGGTTTTAAT[A>AT]TAACTGCAGGAGTTGATGAAGAAACAGGATTTGTTTATGGAGGAAATCGTTTCAATTGTG-3'